The following is an entry in ClinVar:

ClinVar aggregate classification (germline): Pathogenic (1 of 4 stars; one submission).

Conditions:
Developmental and epileptic encephalopathy, 54. Also called: Epileptic encephalopathy, early infantile, 54; HNRNPU-Related Neurodevelopmental Disorder. Identifiers: MedGen C4479319, MONDO:0033363, OMIM 617391.

Submission:

Labcorp Genetics (formerly Invitae), Labcorp
Classification: Pathogenic for Developmental and epileptic encephalopathy, 54. Last evaluated: 2018-10-08. Review status: criteria provided, single submitter. Criteria: Invitae Variant Classification Sherloc (09022015). Collection method: clinical testing. Allele origin: germline.
Comment: For these reasons, this variant has been classified as Pathogenic. Loss-of-function variants in HNRNPU are known to be pathogenic (PMID: 22678713, 28283832). This variant has not been reported in the literature in individuals with HNRNPU-related disease. This variant is an out-of-frame deletion of the genomic region encompassing exons 2-4 of the HNRNPU gene. This is expected to create a premature translational stop signal and result in an absent or disrupted protein product.

Literature cited by the submitters: PubMed 22678713; PubMed 28283832.

NC_000001.11:g.(?_244860315)_(244862750_?)del

Gene: HNRNPU (heterogeneous nuclear ribonucleoprotein U; minus strand). Cytogenetic location: 1q44.
Variant type: Deletion.
Identifiers: ClinVar variation 649632 (VCV000649632.43).